The following is an entry in ClinVar:

NM_015937.6(PIGT):c.1043del (p.Pro348fs)

Gene: PIGT (phosphatidylinositol glycan anchor biosynthesis class T; plus strand). Cytogenetic location: 20q13.12.
Variant type: Deletion.
Coding change: c.1043del on transcript NM_015937.6 (MANE Select); coding-DNA position 1043, one base deleted (C; older notation c.1043delC).
Protein change: p.Pro348fs; shifts the reading frame from proline 348.
Molecular consequence: frameshift variant. On other transcripts: non-coding transcript variant (5), intron variant (1).
Genome position (GRCh38, 1-based): chr20:45,421,392, C deleted; the last of 7 consecutive C bases (chr20:45,421,386-45,421,392); deleting any one gives the same sequence. VCF-style (leftmost placement, unchanged base first): chr20-45421385-GC-G. GRCh37 (hg19) VCF-style: chr20-44050025-GC-G.
Other names: c.875del, p.Pro292fs (NM_001184728.3); c.737del, p.Pro246fs (NM_001184730.3); c.1033+699del (NM_001184729.3); short protein forms P348fs, P246fs, P292fs.
Identifiers: ClinVar variation 2995955 (VCV002995955.3), dbSNP rs749895437, ClinGen allele CA9878148.

ClinVar aggregate classification (germline): Pathogenic (1 of 4 stars; one submission).

Conditions:
Multiple congenital anomalies-hypotonia-seizures syndrome 3 (MCAHS3). Also called: GLYCOSYLPHOSPHATIDYLINOSITOL BIOSYNTHESIS DEFECT 7. Identifiers: Orphanet 369837, MedGen C3809356, MONDO:0014165, OMIM 615398.

Submission:

Labcorp Genetics (formerly Invitae), Labcorp
Classification: Pathogenic for Multiple congenital anomalies-hypotonia-seizures syndrome 3. Last evaluated: 2024-10-29. Review status: criteria provided, single submitter. Criteria: Invitae Variant Classification Sherloc (09022015). Collection method: clinical testing. Allele origin: germline.
Comment: This sequence change creates a premature translational stop signal (p.Pro348Glnfs*11) in the PIGT gene. It is expected to result in an absent or disrupted protein product. Loss-of-function variants in PIGT are known to be pathogenic (PMID: 24906948, 25943031). The frequency data for this variant in the population databases is considered unreliable, as metrics indicate poor data quality at this position in the gnomAD database. This variant has not been reported in the literature in individuals affected with PIGT-related conditions. For these reasons, this variant has been classified as Pathogenic.

Literature cited by the submitters: PubMed 24906948; PubMed 25943031.